The following is an entry in ClinVar:

NM_007294.4(BRCA1):c.3540C>T (p.Ser1180=)

Genes: BRCA1 (BRCA1 DNA repair associated; minus strand), LOC126862571 (BRD4-independent group 4 enhancer GRCh37_chr17:41243136-41244335; plus strand). Cytogenetic location: 17q21.31.
Variant type: single nucleotide variant.
Coding change: c.3540C>T on transcript NM_007294.4 (MANE Select); coding-DNA position 3540, C replaced by T.
Protein change: p.Ser1180=; no amino-acid change (serine 1180 retained).
Molecular consequence: synonymous variant. On other transcripts: intron variant (135).
Genome position (GRCh38, 1-based): chr17:43,091,991, G>A on the plus strand (C>T on the coding strand, the complement: BRCA1 is on the minus strand). VCF-style: chr17-43091991-G-A. GRCh37 (hg19) VCF-style: chr17-41244008-G-A.
Other names: c.3327C>T, p.Ser1109= (NM_001407571.1, NM_001407853.1, NM_001407894.1 and 9 more transcripts); c.3540C>T, p.Ser1180= (NM_001407581.1, NM_001407582.1, NM_001407583.1 and 30 more transcripts); c.3537C>T, p.Ser1179= (NM_001407587.1, NM_001407590.1, NM_001407591.1 and 22 more transcripts); c.3531C>T, p.Ser1177= (NM_001407646.1, NM_001407647.1); c.3417C>T, p.Ser1139= (NM_001407648.1, NM_001407664.1, NM_001407665.1 and 19 more transcripts); c.3414C>T, p.Ser1138= (NM_001407649.1, NM_001407670.1, NM_001407671.1 and 11 more transcripts); c.3462C>T, p.Ser1154= (NM_001407653.1, NM_001407654.1, NM_001407655.1 and 4 more transcripts); c.3459C>T, p.Ser1153= (NM_001407659.1, NM_001407660.1, NM_001407661.1 and 1 more transcripts); and 41 more.
Identifiers: ClinVar variation 381400 (VCV000381400.26), dbSNP rs928545955, ClinGen allele CA16607265.

ClinVar aggregate classification (germline): Likely benign. Review status: reviewed by expert panel (3 of 4 stars). 8 submissions from 8 submitters: Likely benign (1). 7 of the submissions do not count toward it. Last evaluated 2017-06-29.

Conditions:
Breast-ovarian cancer, familial, susceptibility to, 1 (BROVCA1). Also called: BRCA1 Hereditary Breast and Ovarian Cancer; OVARIAN CANCER, SUSCEPTIBILITY TO. Identifiers: Orphanet 145, MedGen C2676676, MONDO:0011450, OMIM 604370. Disease mechanism: loss of function.
Hereditary cancer-predisposing syndrome. Also called: Neoplastic Syndromes, Hereditary; Hereditary neoplastic syndrome; Hereditary Cancer Syndrome; Tumor predisposition. Identifiers: Orphanet 140162, MedGen C0027672, MeSH D009386, MONDO:0015356.
Hereditary breast ovarian cancer syndrome. Also called: Hereditary breast and ovarian cancer syndrome; Breast and ovarian cancer; Hereditary breast and ovarian cancer syndrome (HBOC); Hereditary breast and/or ovarian cancer syndrome; BRCA1- and BRCA2-Associated Hereditary Breast and Ovarian Cancer; Hereditary breast and ovarian cancer. Identifiers: Orphanet 145, MedGen C0677776, MeSH D061325, MONDO:0003582. Disease mechanism: loss of function.

Allele frequency attached by ClinVar (database versions not stated): gnomAD exomes below 0.00001 and 0.00001; TOPMed below 0.00001.

Submissions (8):

Evidence-based Network for the Interpretation of Germline Mutant Alleles (ENIGMA)
Classification: Likely benign for Breast-ovarian cancer, familial, susceptibility to, 1. Last evaluated: 2017-06-29. Review status: reviewed by expert panel. Criteria: ENIGMA BRCA1/2 Classification Criteria (2017-06-29). Collection method: curation. Allele origin: germline.
Comment: Synonymous substitution variant, with low bioinformatic likelihood to result in a splicing aberration (Splicing prior probability 0.02).

Labcorp Genetics (formerly Invitae), Labcorp
Classification: Benign for Hereditary breast ovarian cancer syndrome. Last evaluated: 2025-07-30. Review status: criteria provided, single submitter. Criteria: Invitae Variant Classification Sherloc (09022015). Collection method: clinical testing. Allele origin: germline. Not counted in ClinVar's aggregate classification.

Center for Genomic Medicine, Rigshospitalet, Copenhagen University Hospital
Classification: Likely benign. Last evaluated: 2025-03-04. Review status: criteria provided, single submitter. Criteria: ACMG Guidelines, 2015. Collection method: clinical testing. Allele origin: germline. Not counted in ClinVar's aggregate classification.

All of Us Research Program, National Institutes of Health
Classification: Likely benign for Breast-ovarian cancer, familial, susceptibility to, 1. Last evaluated: 2023-11-20. Review status: criteria provided, single submitter. Criteria: ACMG Guidelines, 2015. Collection method: clinical testing. Allele origin: germline. Inheritance: Autosomal dominant inheritance. Observed: 1 variant allele, 1 heterozygote. Not counted in ClinVar's aggregate classification.
Comment: This study involves interpretation of variants in research participants for the purpose of population health screening. Participant phenotype was not available at the time of variant classification. Additional details can be found in publication PMID: 35346344, PMCID: PMC8962531

Quest Diagnostics Nichols Institute San Juan Capistrano
Classification: Likely benign. Last evaluated: 2021-03-10. Review status: criteria provided, single submitter. Criteria: Quest Diagnostics criteria. Collection method: clinical testing. Allele origin: unknown. Not counted in ClinVar's aggregate classification.

Color Diagnostics, LLC DBA Color Health
Classification: Likely benign for Hereditary cancer-predisposing syndrome. Last evaluated: 2017-04-07. Review status: criteria provided, single submitter. Criteria: ACMG Guidelines, 2015. Collection method: clinical testing. Allele origin: germline. Not counted in ClinVar's aggregate classification.

GeneDx
Classification: Likely benign. Last evaluated: 2015-11-02. Review status: criteria provided, single submitter. Criteria: GeneDx Variant Classification (06012015). Collection method: clinical testing. Allele origin: germline. Affected: yes. Not counted in ClinVar's aggregate classification.
Comment: This variant is considered likely benign or benign based on one or more of the following criteria: it is a conservative change, it occurs at a poorly conserved position in the protein, it is predicted to be benign by multiple in silico algorithms, and/or has population frequency not consistent with disease.

Ambry Genetics
Classification: Likely benign for Hereditary cancer-predisposing syndrome. Last evaluated: 2015-10-19. Review status: criteria provided, single submitter. Criteria: Ambry Variant Classification Scheme 2023. Collection method: clinical testing. Allele origin: germline. Not counted in ClinVar's aggregate classification.

Literature cited by the submitters: PubMed 28364669 (cited by Quest Diagnostics Nichols Institute San Juan Capistrano).